The following is an entry in ClinVar:

NM_198252.3(GSN):c.1301G>A (p.Arg434His)

Gene: GSN (gelsolin; plus strand). Cytogenetic location: 9q33.2.
Variant type: single nucleotide variant.
Coding change: c.1301G>A on transcript NM_198252.3 (MANE Select); coding-DNA position 1301, G replaced by A.
Protein change: p.Arg434His; replaces arginine 434 with histidine.
Molecular consequence: missense variant.
Genome position (GRCh38, 1-based): chr9:121,321,377, G>A. VCF-style: chr9-121321377-G-A. GRCh37 (hg19) VCF-style: chr9-124083655-G-A.
Other names: c.1301G>A, p.Arg434His (NM_001353056.2, NM_001353057.2, NM_001353058.2 and 10 more transcripts); c.1334G>A, p.Arg445His (NM_001353063.2, NM_001353064.2, NM_001127666.2 and 13 more transcripts); c.1454G>A, p.Arg485His (NM_000177.5); c.1409G>A, p.Arg470His (NM_001127663.2); c.1352G>A, p.Arg451His (NM_001258029.2); c.1325G>A, p.Arg442His (NM_001258030.2); c.1373G>A, p.Arg458His (NM_001353076.2); c.647G>A, p.Arg216His (NM_001353078.2); short protein forms R216H, R434H, R442H, R445H, R451H, R458H, R470H, R485H.
Identifiers: ClinVar variation 3257037 (VCV003257037.20).

ClinVar aggregate classification (germline): Uncertain significance. Review status: criteria provided, multiple submitters, no conflicts (2 of 4 stars). 3 submissions from 3 submitters: Uncertain significance (3). Last evaluated 2024-11-21.

Conditions:
Finnish type amyloidosis. Also called: AMYLOID CRANIAL NEUROPATHY WITH LATTICE CORNEAL DYSTROPHY; AMYLOIDOSIS DUE TO MUTANT GELSOLIN; Lattice corneal dystrophy associated with familial systemic amyloidosis; Meretoja's syndrome; Lattice dystrophy of the cornea with hereditary generalized amyloidosis; AMYLOIDOSIS, HEREDITARY SYSTEMIC 4, FINNISH TYPE. Identifiers: Orphanet 85448, MedGen C1622345, MONDO:0007097, OMIM 105120.

Submissions (3):

Labcorp Genetics (formerly Invitae), Labcorp
Classification: Uncertain significance. Last evaluated: 2024-11-21. Review status: criteria provided, single submitter. Criteria: Invitae Variant Classification Sherloc (09022015). Collection method: clinical testing. Allele origin: germline.
Comment: This sequence change replaces arginine, which is basic and polar, with histidine, which is basic and polar, at codon 485 of the GSN protein (p.Arg485His). This variant is present in population databases (no rsID available, gnomAD 0.002%). This variant has not been reported in the literature in individuals affected with GSN-related conditions. Invitae Evidence Modeling of protein sequence and biophysical properties (such as structural, functional, and spatial information, amino acid conservation, physicochemical variation, residue mobility, and thermodynamic stability) indicates that this missense variant is expected to disrupt GSN protein function with a positive predictive value of 80%. In summary, the available evidence is currently insufficient to determine the role of this variant in disease. Therefore, it has been classified as a Variant of Uncertain Significance.

CeGaT Center for Human Genetics Tuebingen
Classification: Uncertain significance. Last evaluated: 2024-07-01. Review status: criteria provided, single submitter. Criteria: CeGaT Center For Human Genetics Tuebingen Variant Classification Criteria Version 2. Collection method: clinical testing. Allele origin: germline. Affected: yes. Observed: 1 variant allele.
Comment: GSN: PM2, BP4

Fulgent Genetics
Classification: Uncertain significance for Finnish type amyloidosis. Last evaluated: 2024-01-29. Review status: criteria provided, single submitter. Criteria: ACMG Guidelines, 2015. Collection method: clinical testing. Allele origin: germline.